The following is an entry in ClinVar:

NM_001164508.2(NEB):c.6609del (p.Lys2203fs)

Gene: NEB (nebulin; minus strand). Cytogenetic location: 2q23.3.
Variant type: Deletion.
Coding change: c.6609del on transcript NM_001164508.2 (MANE Select); coding-DNA position 6609, one base deleted (A; older notation c.6609delA).
Protein change: p.Lys2203fs; shifts the reading frame from lysine 2203.
Molecular consequence: frameshift variant.
Genome position (GRCh38, 1-based): chr2:151,655,910, T deleted on the plus strand (A on the coding strand, the reverse complement: NEB is on the minus strand); the first of 3 consecutive T bases (chr2:151,655,910-151,655,912); deleting any one gives the same sequence. VCF-style (leftmost placement, unchanged base first): chr2-151655909-AT-A. GRCh37 (hg19) VCF-style: chr2-152512423-AT-A.
Other names: c.6609del, p.Lys2203fs (NM_001164507.2, NM_001271208.2, NM_004543.5); short protein forms K2203fs.
Identifiers: ClinVar variation 2711651 (VCV002711651.3), dbSNP rs2552252653, ClinGen allele CA2697551144.

ClinVar aggregate classification (germline): Pathogenic (1 of 4 stars; one submission).

Conditions:
Nemaline myopathy 2 (NEM2). Also called: Nemaline myopathy 2, autosomal recessive. Identifiers: MedGen C1850569, MONDO:0009725, OMIM 256030.

Submission:

Labcorp Genetics (formerly Invitae), Labcorp
Classification: Pathogenic for Nemaline myopathy 2. Last evaluated: 2023-06-11. Review status: criteria provided, single submitter. Criteria: Invitae Variant Classification Sherloc (09022015). Collection method: clinical testing. Allele origin: germline.
Comment: For these reasons, this variant has been classified as Pathogenic. This variant has not been reported in the literature in individuals affected with NEB-related conditions. This variant is not present in population databases (gnomAD no frequency). This sequence change creates a premature translational stop signal (p.Lys2203Asnfs*14) in the NEB gene. It is expected to result in an absent or disrupted protein product. Loss-of-function variants in NEB are known to be pathogenic (PMID: 25205138).

Literature cited by the submitters: PubMed 25205138.